The following is an entry in ClinVar:

NM_000051.4(ATM):c.3626_3627del (p.Phe1209fs)

Gene: ATM (ATM serine/threonine kinase; plus strand). Cytogenetic location: 11q22.3.
Variant type: Deletion.
Coding change: c.3626_3627del on transcript NM_000051.4 (MANE Select); coding-DNA positions 3626 to 3627, 2 bases deleted (TT; older notation c.3626_3627delTT).
Protein change: p.Phe1209fs; shifts the reading frame from phenylalanine 1209.
Molecular consequence: frameshift variant.
Genome position (GRCh38, 1-based): chr11:108,282,759-108,282,760, TT deleted; deleting any 2 consecutive bases within chr11:108,282,758-108,282,760 gives the same sequence; the c. name uses the placement nearest the transcript's 3' end. VCF-style (leftmost placement, unchanged base first): chr11-108282757-CTT-C. GRCh37 (hg19) VCF-style: chr11-108153484-CTT-C.
Other names: c.3626_3627delTT (NM_000051.3); c.3626_3627del, p.Phe1209fs (NM_001351834.2); short protein forms F1209fs.
Identifiers: ClinVar variation 187552 (VCV000187552.26), dbSNP rs587782861, ClinGen allele CA197933.
Genomic context (GRCh38, chr11:108,282,757, plus strand): 5'-TTGGTTCGTGCAGGTTTTAGAGAAAGTTTCTGAAACTTTTGGATATAGACGTTTAGAAGA[CTT>C]TATGGCATCTCATTTAGATTATCTGGTTTTGGAATGGCTAAATCTTCAAGATACTGAATA-3'

ClinVar aggregate classification (germline): Pathogenic. Review status: criteria provided, multiple submitters, no conflicts (2 of 4 stars). 10 submissions from 10 submitters: Pathogenic (9). 1 of the submissions does not count toward it. Last evaluated 2026-01-13.

Conditions:
Familial cancer of breast. Also called: BREAST CANCER, FAMILIAL; Hereditary breast cancer; hereditary breast carcinoma. Identifiers: Orphanet 227535, MedGen C0346153, MONDO:0016419, OMIM 114480. Disease mechanism: loss of function.
Ataxia-telangiectasia syndrome (AT). Also called: Ataxia-telangiectasia, complementation group D; AT, COMPLEMENTATION GROUP C; ATAXIA-TELANGIECTASIA, COMPLEMENTATION GROUP A; ATAXIA-TELANGIECTASIA, FRESNO VARIANT; Ataxia-telangiectasia; LOUIS-BAR SYNDROME. Identifiers: Orphanet 100, MedGen C0004135, MONDO:0008840, OMIM 208900.
Hereditary cancer-predisposing syndrome. Also called: Hereditary Cancer Syndrome; Neoplastic Syndromes, Hereditary; Tumor predisposition; Hereditary neoplastic syndrome. Identifiers: Orphanet 140162, MedGen C0027672, MeSH D009386, MONDO:0015356.
Ovarian carcinoma. Identifiers: MedGen C4721610, MONDO:0005140, HP:0025318.

Submissions (10):

Labcorp Genetics (formerly Invitae), Labcorp
Classification: Pathogenic for Ataxia-telangiectasia syndrome. Last evaluated: 2026-01-13. Review status: criteria provided, single submitter. Criteria: Invitae Variant Classification Sherloc (09022015). Collection method: clinical testing. Allele origin: germline.
Comment: This sequence change creates a premature translational stop signal (p.Phe1209Tyrfs*19) in the ATM gene. It is expected to result in an absent or disrupted protein product. Loss-of-function variants in ATM are known to be pathogenic (PMID: 23807571, 25614872). This variant is not present in population databases (gnomAD no frequency). This premature translational stop signal has been observed in individual(s) with ataxia-telangiectasia (PMID: 10330348). ClinVar contains an entry for this variant (Variation ID: 187552). For these reasons, this variant has been classified as Pathogenic.

Natera, Inc.
Classification: Pathogenic for Ataxia-telangiectasia. Last evaluated: 2025-09-01. Review status: criteria provided, single submitter. Criteria: Natera Variant Classification Schema (03/2026). Collection method: clinical testing. Allele origin: germline.
Comment: The c.3626_3627delTT variant in ATM is a frameshift variant predicted to shift the reading frame beginning at codon 1209 and leads to a stop codon 19 codons downstream. This variant is expected to result in nonsense mediated decay, truncation, or a dysfunctional protein product. This variant is rare in the general population with a frequency below the threshold expected for the associated phenotype(s). This variant has been observed in one or more individuals affected with the associated recessive disease, as either homozygous or compound heterozygous with a second variant (PMID: 39521281). Given the available evidence, this variant is classified as Pathogenic.

Fulgent Genetics
Classification: Pathogenic for Familial cancer of breast; Ataxia-telangiectasia syndrome. Last evaluated: 2024-03-05. Review status: criteria provided, single submitter. Criteria: ACMG Guidelines, 2015. Collection method: clinical testing. Allele origin: germline.

Myriad Genetics, Inc.
Classification: Pathogenic for Familial cancer of breast. Last evaluated: 2024-01-22. Review status: criteria provided, single submitter. Criteria: Myriad Autosomal Dominant, Autosomal Recessive and X-Linked Classification Criteria (2023). Collection method: clinical testing. Allele origin: unknown.
Comment: This variant is considered pathogenic. This variant creates a frameshift predicted to result in premature protein truncation.

Ambry Genetics
Classification: Pathogenic for Hereditary cancer-predisposing syndrome. Last evaluated: 2023-06-12. Review status: criteria provided, single submitter. Criteria: Ambry Variant Classification Scheme 2023. Collection method: clinical testing. Allele origin: germline.
Comment: The c.3626_3627delTT pathogenic mutation, located in coding exon 24 of the ATM gene, results from a deletion of two nucleotides at nucleotide positions 3626 to 3627, causing a translational frameshift with a predicted alternate stop codon (p.F1209Yfs*19). This alteration is expected to result in loss of function by premature protein truncation or nonsense-mediated mRNA decay. As such, this alteration is interpreted as a disease-causing mutation.

GeneDx
Classification: Pathogenic. Last evaluated: 2023-06-09. Review status: criteria provided, single submitter. Criteria: GeneDx Variant Classification Process June 2021. Collection method: clinical testing. Allele origin: germline. Affected: yes.
Comment: Frameshift variant predicted to result in protein truncation or nonsense mediated decay in a gene for which loss-of-function is a known mechanism of disease; Not observed at significant frequency in large population cohorts (gnomAD); Truncating variants in this gene are considered pathogenic by a well-established clinical consortium and/or database; This variant is associated with the following publications: (PMID: 10330348, 10817650, 23807571, 25614872, 16461462, 28888541, 17124347)

Baylor Genetics
Classification: Pathogenic for Familial cancer of breast. Last evaluated: 2023-01-19. Review status: criteria provided, single submitter. Criteria: ACMG Guidelines, 2015. Collection method: clinical testing. Allele origin: unknown.

Women's Health and Genetics/Laboratory Corporation of America, LabCorp
Classification: Pathogenic for Ataxia-telangiectasia syndrome. Last evaluated: 2020-02-14. Review status: criteria provided, single submitter. Criteria: LabCorp Variant Classification Summary - May 2015. Collection method: clinical testing. Allele origin: germline.
Comment: Variant summary: ATM c.3626_3627delTT (p.Phe1209TyrfsX19) results in a premature termination codon, predicted to cause a truncation of the encoded protein or absence of the protein due to nonsense mediated decay, which are commonly known mechanisms for disease. Truncations downstream of this position have been classified as pathogenic by our laboratory. The variant was absent in 251142 control chromosomes (gnomAD). c.3626_3627delTT has been reported in the literature in individuals affected with Ataxia-Telangiectasia (e.g. Teraoka_1999, Li_2000, Magliozzi_2006). These data indicate that the variant is likely to be associated with disease. To our knowledge, no experimental evidence demonstrating an impact on protein function has been reported. Four other clinical diagnostic laboratories have submitted clinical-significance assessments for this variant to ClinVar after 2014 without evidence for independent evaluation. All laboratories classified the variant as pathogenic. Based on the evidence outlined above, the variant was classified as pathogenic.

Color Diagnostics, LLC DBA Color Health
Classification: Pathogenic for Hereditary cancer-predisposing syndrome. Last evaluated: 2020-01-15. Review status: criteria provided, single submitter. Criteria: ACMG Guidelines, 2015. Collection method: clinical testing. Allele origin: germline.
Comment: This variant deletes 2 nucleotides in exon 25 of the ATM gene, creating a frameshift and premature translation stop signal. This variant is expected to result in an absent or non-functional protein product. This variant has not been identified in the general population by the Genome Aggregation Database (gnomAD). Loss of ATM function is a known mechanism of disease. Based on the available evidence, this variant is classified as Pathogenic.

Medical Genetics Laboratory, Umraniye Training and Research Hospital, University of Health Sciences
Classification: Pathogenic for Ovarian carcinoma. Last evaluated: 2021-09-11. Review status: no assertion criteria provided. Collection method: clinical testing. Allele origin: germline. Inheritance: Autosomal dominant inheritance. Affected: yes. Observed: 1 heterozygote. Not counted in ClinVar's aggregate classification.

Literature cited by the submitters: PubMed 23807571 (cited by Labcorp Genetics (formerly Invitae), Labcorp); PubMed 25614872 (cited by Labcorp Genetics (formerly Invitae), Labcorp); PubMed 10330348 (cited by 3 submitters); PubMed 39521281 (cited by Natera, Inc.); PubMed 17124347 (cited by Women's Health and Genetics/Laboratory Corporation of America, LabCorp); PubMed 16461462 (cited by Women's Health and Genetics/Laboratory Corporation of America, LabCorp); PubMed 10817650 (cited by Women's Health and Genetics/Laboratory Corporation of America, LabCorp).